The following is an entry in ClinVar:

NM_006662.3(SRCAP):c.8065A>T (p.Lys2689Ter)

Gene: SRCAP (Snf2 related CREBBP activator protein; plus strand). Cytogenetic location: 16p11.2.
Variant type: single nucleotide variant.
Coding change: c.8065A>T on transcript NM_006662.3 (MANE Select); coding-DNA position 8065, A replaced by T.
Protein change: p.Lys2689Ter; replaces lysine 2689 with a stop codon.
Molecular consequence: nonsense.
Genome position (GRCh38, 1-based): chr16:30,738,105, A>T. VCF-style: chr16-30738105-A-T. GRCh37 (hg19) VCF-style: chr16-30749426-A-T.
Other names: short protein forms K2689*.
Identifiers: ClinVar variation 523830 (VCV000523830.2), dbSNP rs926127838, ClinGen allele CA395635764.
Genomic context (GRCh38, chr16:30,738,105, plus strand): 5'-GAGGCTGACAGGACCTCGGAAGAGCTGACAGAGGCCAAGACCCCAACCTCCAGCCCAGAG[A>T]AGCCACAGGAACTCGTTACAGCTGAGGTTGCAGCTCCATCCACCTCATCTTCAGCCACTT-3'

ClinVar aggregate classification (germline): Likely pathogenic (1 of 4 stars; one submission).

Submission:

GeneDx
Classification: Likely pathogenic. Last evaluated: 2018-03-22. Review status: criteria provided, single submitter. Criteria: GeneDx Variant Classification (06012015). Collection method: clinical testing. Allele origin: germline. Affected: yes.
Comment: The K2689X variant in the SCRAP gene has not been reported previously as a pathogenic variant nor as a benign variant, to our knowledge. This variant is predicted to cause loss of normal protein function through protein truncation, as the last 542 amino acid residues are lost. The K2689X variant is not observed in large population cohorts (Lek et al., 2016). We interpret K2689X as a likely pathogenic variant.